The following is an entry in ClinVar:

NM_014249.4(NR2E3):c.641C>G (p.Pro214Arg)

Gene: NR2E3 (nuclear receptor subfamily 2 group E member 3; plus strand). Cytogenetic location: 15q23.
Variant type: single nucleotide variant.
Coding change: c.641C>G on transcript NM_014249.4 (MANE Select); coding-DNA position 641, C replaced by G.
Protein change: p.Pro214Arg; replaces proline 214 with arginine.
Molecular consequence: missense variant.
Genome position (GRCh38, 1-based): chr15:71,812,405, C>G. VCF-style: chr15-71812405-C-G. GRCh37 (hg19) VCF-style: chr15-72104745-C-G.
Other names: c.641C>G, p.Pro214Arg (NM_016346.4); c.641C>G (NM_014249.2); short protein forms P214R.
Identifiers: ClinVar variation 1401149 (VCV001401149.7), dbSNP rs749050219, ClinGen allele CA7640359.

ClinVar aggregate classification (germline): Uncertain significance. Review status: criteria provided, multiple submitters, no conflicts (2 of 4 stars). 2 submissions from 2 submitters: Uncertain significance (2). Last evaluated 2025-08-30.

Conditions:
Inborn genetic diseases. Identifiers: MedGen C0950123, MeSH D030342.

gnomAD v4.1: 3 of 1,613,968 alleles (0.00019%); highest among the groups gnomAD compares: Admixed American, 0.0017%; no homozygotes.

Submissions (2):

Ambry Genetics
Classification: Uncertain significance for Inborn genetic diseases. Last evaluated: 2025-08-30. Review status: criteria provided, single submitter. Criteria: Ambry Variant Classification Scheme 2023. Collection method: clinical testing. Allele origin: germline.

Labcorp Genetics (formerly Invitae), Labcorp
Classification: Uncertain significance. Last evaluated: 2024-07-30. Review status: criteria provided, single submitter. Criteria: Invitae Variant Classification Sherloc (09022015). Collection method: clinical testing. Allele origin: germline.
Comment: This sequence change replaces proline, which is neutral and non-polar, with arginine, which is basic and polar, at codon 214 of the NR2E3 protein (p.Pro214Arg). This variant is present in population databases (rs749050219, gnomAD 0.006%). This variant has not been reported in the literature in individuals affected with NR2E3-related conditions. ClinVar contains an entry for this variant (Variation ID: 1401149). Advanced modeling of protein sequence and biophysical properties (such as structural, functional, and spatial information, amino acid conservation, physicochemical variation, residue mobility, and thermodynamic stability) performed at Invitae indicates that this missense variant is not expected to disrupt NR2E3 protein function with a negative predictive value of 80%. In summary, the available evidence is currently insufficient to determine the role of this variant in disease. Therefore, it has been classified as a Variant of Uncertain Significance.